The following is an entry in ClinVar:

ClinVar aggregate classification (germline): Uncertain significance. Review status: criteria provided, multiple submitters, no conflicts (2 of 4 stars). 4 submissions from 4 submitters: Uncertain significance (4). Last evaluated 2026-07-03.

Conditions:
Cardiovascular phenotype. Identifiers: MedGen CN230736.
Cardiomyopathy (CMYO). Also called: Cardiomyopathies. Identifiers: Orphanet 167848, MedGen C0878544, MONDO:0004994, HP:0001638. Inheritance: Various modes of inheritance.
Hypertrophic cardiomyopathy. Also called: HYPERTROPHIC MYOCARDIOPATHY. Identifiers: Orphanet 217569, MedGen C0007194, MeSH D002312, MONDO:0005045, HP:0001639.

Allele frequency attached by ClinVar (database versions not stated): gnomAD exomes 0.00001; ExAC 0.00001; gnomAD 0.00001.
gnomAD v4.1: 18 of 1,613,076 alleles (0.0011%); highest among the groups gnomAD compares: East Asian, 0.0022%; no homozygotes.

Submissions (4):

Ambry Genetics
Classification: Uncertain significance for Cardiovascular phenotype. Last evaluated: 2026-07-03. Review status: criteria provided, single submitter. Criteria: Ambry Variant Classification Scheme 2023. Collection method: clinical testing. Allele origin: germline.
Comment: The c.1334C>T (p.T445M) alteration is located in exon 15 (coding exon 15) of the MYBPC3 gene. This alteration results from a C to T substitution at nucleotide position 1334, causing the threonine (T) at amino acid position 445 to be replaced by a methionine (M). Based on data from gnomAD, the T allele has an overall frequency of 0.001% (4/278910) total alleles studied. The highest observed frequency was 0.003% (4/127640) of European (non-Finnish) alleles. Based on insufficient or conflicting evidence, the clinical significance of this alteration remains unclear.

Labcorp Genetics (formerly Invitae), Labcorp
Classification: Uncertain significance for Hypertrophic cardiomyopathy. Last evaluated: 2024-12-30. Review status: criteria provided, single submitter. Criteria: Invitae Variant Classification Sherloc (09022015). Collection method: clinical testing. Allele origin: germline.
Comment: This sequence change replaces threonine, which is neutral and polar, with methionine, which is neutral and non-polar, at codon 445 of the MYBPC3 protein (p.Thr445Met). The frequency data for this variant in the population databases is considered unreliable, as metrics indicate poor data quality at this position in the gnomAD database. This missense change has been observed in individual(s) with dilated cardiomyopathy and/or hypertrophic cardiomyopathy (PMID: 23233322, 31931689, 31983221). ClinVar contains an entry for this variant (Variation ID: 1770215). An algorithm developed to predict the effect of missense changes on protein structure and function (PolyPhen-2) suggests that this variant is likely to be disruptive. In summary, the available evidence is currently insufficient to determine the role of this variant in disease. Therefore, it has been classified as a Variant of Uncertain Significance.

All of Us Research Program, National Institutes of Health
Classification: Uncertain significance for Hypertrophic cardiomyopathy. Last evaluated: 2023-11-30. Review status: criteria provided, single submitter. Criteria: ACMG Guidelines, 2015. Collection method: clinical testing. Allele origin: germline. Inheritance: Autosomal dominant inheritance. Observed: 2 variant alleles, 2 heterozygotes.
Comment: This missense variant replaces threonine with methionine at codon 445 of the MYBPC3 protein. Computational prediction is inconclusive regarding the impact of this variant on protein structure and function (internally defined REVEL score threshold 0.5 < inconclusive < 0.7, PMID: 27666373). To our knowledge, functional studies have not been reported for this variant. This variant has been reported in individuals affected with hypertrophic cardiomyopathy (PMID: 23233322, 33495597) and in individuals affected with dilated cardiomyopathy (PMID: 31931689, 31983221). This variant has been identified in 4/278910 chromosomes in the general population by the Genome Aggregation Database (gnomAD). The available evidence is insufficient to determine the role of this variant in disease conclusively. Therefore, this variant is classified as a Variant of Uncertain Significance.

This study involves interpretation of variants in research participants for the purpose of population health screening. Participant phenotype was not available at the time of variant classification. Additional details can be found in publication PMID: 35346344, PMCID: PMC8962531

Color Diagnostics, LLC DBA Color Health
Classification: Uncertain significance for Cardiomyopathy. Last evaluated: 2023-08-02. Review status: criteria provided, single submitter. Criteria: ACMG Guidelines, 2015. Collection method: clinical testing. Allele origin: germline.
Comment: This missense variant replaces threonine with methionine at codon 445 of the MYBPC3 protein. Computational prediction is inconclusive regarding the impact of this variant on protein structure and function. To our knowledge, functional studies have not been reported for this variant. This variant has been reported in individuals affected with hypertrophic cardiomyopathy (PMID: 23233322, 33495597) and in individuals affected with dilated cardiomyopathy (PMID: 31931689, 31983221). This variant has been identified in 4/278910 chromosomes in the general population by the Genome Aggregation Database (gnomAD). The available evidence is insufficient to determine the role of this variant in disease conclusively. Therefore, this variant is classified as a Variant of Uncertain Significance.

Literature cited by the submitters: PubMed 23233322 (cited by 3 submitters); PubMed 31931689 (cited by 3 submitters); PubMed 31983221 (cited by 3 submitters); PubMed 33495597 (cited by All of Us Research Program, National Institutes of Health and Color Diagnostics, LLC DBA Color Health).

NM_000256.3(MYBPC3):c.1334C>T (p.Thr445Met)

Gene: MYBPC3 (myosin binding protein C3; minus strand). Cytogenetic location: 11p11.2.
Variant type: single nucleotide variant.
Coding change: c.1334C>T on transcript NM_000256.3 (MANE Select); coding-DNA position 1334, C replaced by T.
Protein change: p.Thr445Met; replaces threonine 445 with methionine.
Molecular consequence: missense variant.
Genome position (GRCh38, 1-based): chr11:47,343,038, G>A on the plus strand (C>T on the coding strand, the complement: MYBPC3 is on the minus strand). VCF-style: chr11-47343038-G-A. GRCh37 (hg19) VCF-style: chr11-47364589-G-A.
Other names: short protein forms T445M.
Identifiers: ClinVar variation 1770215 (VCV001770215.10), dbSNP rs745661443, ClinGen allele CA078002.
Genomic context (GRCh38, chr11:47,343,038, plus strand): 5'-CATCTCCTCCCCAGGTTCCCACATCCTCAGGTCCCAGGCCCACCTTTCACAAAGAGCTCC[G>A]TGCTACACTTCTCGCCACCCACCACGCACTGGTAGGCTGCGTCGTCCGCCAATGAGCACT-3'
Protein context (NP_000247.2, residues 435-455): QCVVGGEKCS[Thr445Met]ELFVKEPPVL